The following is an entry in ClinVar:

NM_001846.4(COL4A2):c.1108G>C (p.Ala370Pro)

Gene: COL4A2 (collagen type IV alpha 2 chain; plus strand). Cytogenetic location: 13q34.
Variant type: single nucleotide variant.
Coding change: c.1108G>C on transcript NM_001846.4 (MANE Select); coding-DNA position 1108, G replaced by C.
Protein change: p.Ala370Pro; replaces alanine 370 with proline.
Molecular consequence: missense variant.
Genome position (GRCh38, 1-based): chr13:110,449,708, G>C. VCF-style: chr13-110449708-G-C. GRCh37 (hg19) VCF-style: chr13-111102055-G-C.
Other names: short protein forms A370P.
Identifiers: ClinVar variation 883509 (VCV000883509.8), dbSNP rs909040713, ClinGen allele CA256300920.
Genomic context (GRCh38, chr13:110,449,708, plus strand): 5'-GTTCTTACTGTGGGACTTGTTTCCCTTCCAGGTGCCAGAGGTGACCCGGGATTCCCAGGG[G>C]CCCAAGGGGAGCCAGGAAGCCAGGGTGAGCCAGGAGACCCGGGCCTCCCAGGTCCCCCTG-3'
Protein context (NP_001837.2, residues 360-380): GARGDPGFPG[Ala370Pro]QGEPGSQGEP

ClinVar aggregate classification (germline): Uncertain significance. Review status: criteria provided, multiple submitters, no conflicts (2 of 4 stars). 3 submissions from 3 submitters: Uncertain significance (3). Last evaluated 2025-11-04.

Conditions:
Brain small vessel disease 2A, autosomal dominant. Also called: Porencephaly 2. Identifiers: Orphanet 2940, Orphanet 99810, MedGen C3280970, MONDO:0013773, OMIM 614483.
Inborn genetic diseases. Identifiers: MedGen C0950123, MeSH D030342.

Allele frequency attached by ClinVar (database versions not stated): gnomAD exomes 0.00001; gnomAD 0.00002; TOPMed 0.00004.
gnomAD v4.1: 16 of 1,549,956 alleles (0.001%); highest among the groups gnomAD compares: Middle Eastern, 0.037%; no homozygotes.

Submissions (3):

Labcorp Genetics (formerly Invitae), Labcorp
Classification: Uncertain significance. Last evaluated: 2025-11-04. Review status: criteria provided, single submitter. Criteria: Invitae Variant Classification Sherloc (09022015). Collection method: clinical testing. Allele origin: germline.
Comment: This sequence change replaces alanine, which is neutral and non-polar, with proline, which is neutral and non-polar, at codon 370 of the COL4A2 protein (p.Ala370Pro). The frequency data for this variant in the population databases is considered unreliable, as metrics indicate poor data quality at this position in the gnomAD database. This variant has not been reported in the literature in individuals affected with COL4A2-related conditions. ClinVar contains an entry for this variant (Variation ID: 883509). Invitae Evidence Modeling of protein sequence and biophysical properties (such as structural, functional, and spatial information, amino acid conservation, physicochemical variation, residue mobility, and thermodynamic stability) indicates that this missense variant is not expected to disrupt COL4A2 protein function with a negative predictive value of 95%. In summary, the available evidence is currently insufficient to determine the role of this variant in disease. Therefore, it has been classified as a Variant of Uncertain Significance.

Ambry Genetics
Classification: Uncertain significance for Inborn genetic diseases. Last evaluated: 2025-06-18. Review status: criteria provided, single submitter. Criteria: Ambry Variant Classification Scheme 2023. Collection method: clinical testing. Allele origin: germline.

Illumina Laboratory Services, Illumina
Classification: Uncertain significance for Brain small vessel disease 2A, autosomal dominant. Last evaluated: 2018-01-12. Review status: criteria provided, single submitter. Criteria: ICSL Variant Classification Criteria 13 December 2019. Collection method: clinical testing. Allele origin: germline.